The following is an entry in ClinVar:

NM_022773.4(LMF1):c.225C>A (p.Asn75Lys)

Gene: LMF1 (lipase maturation factor 1; minus strand). Cytogenetic location: 16p13.3.
Variant type: single nucleotide variant.
Coding change: c.225C>A on transcript NM_022773.4 (MANE Select); coding-DNA position 225, C replaced by A.
Protein change: p.Asn75Lys; replaces asparagine 75 with lysine.
Molecular consequence: missense variant. On other transcripts: 5 prime UTR variant (4), non-coding transcript variant (1).
Genome position (GRCh38, 1-based): chr16:954,635, G>T on the plus strand (C>A on the coding strand, the complement: LMF1 is on the minus strand). VCF-style: chr16-954635-G-T. GRCh37 (hg19) VCF-style: chr16-1004635-G-T.
Other names: c.-579C>A (NM_001352017.2); c.-330C>A (NM_001352018.2); c.-103C>A (NM_001352019.2); c.225C>A, p.Asn75Lys (NM_001352020.1); c.-481C>A (NM_001352021.2); short protein forms N75K.
Identifiers: ClinVar variation 3227809 (VCV003227809.1), dbSNP rs145036605, ClinGen allele CA7797717.

ClinVar aggregate classification (germline): Uncertain significance (1 of 4 stars; one submission).

Conditions:
Cardiovascular phenotype. Identifiers: MedGen CN230736.

gnomAD v4.1: 2 of 1,603,982 alleles (0.00012%); highest among the groups gnomAD compares: Non-Finnish European, 0.000085%; no homozygotes.

Submission:

Ambry Genetics
Classification: Uncertain significance for Cardiovascular phenotype. Last evaluated: 2024-02-12. Review status: criteria provided, single submitter. Criteria: Ambry Variant Classification Scheme 2023. Collection method: clinical testing. Allele origin: germline.
Comment: The p.N75K variant (also known as c.225C>A), located in coding exon 2 of the LMF1 gene, results from a C to A substitution at nucleotide position 225. The asparagine at codon 75 is replaced by lysine, an amino acid with similar properties. This amino acid position is conserved. In addition, this alteration is predicted to be tolerated by in silico analysis. Based on the available evidence, the clinical significance of this alteration remains unclear.